The following is an entry in ClinVar:

NM_003412.4(ZIC1):c.1240A>G (p.Thr414Ala)

Gene: ZIC1 (Zic family zinc finger 1; plus strand). Cytogenetic location: 3q24.
Variant type: single nucleotide variant.
Coding change: c.1240A>G on transcript NM_003412.4 (MANE Select); coding-DNA position 1240, A replaced by G.
Protein change: p.Thr414Ala; replaces threonine 414 with alanine.
Molecular consequence: missense variant.
Genome position (GRCh38, 1-based): chr3:147,413,447, A>G. VCF-style: chr3-147413447-A-G. GRCh37 (hg19) VCF-style: chr3-147131234-A-G.
Other names: short protein forms T414A.
Identifiers: ClinVar variation 446021 (VCV000446021.37), dbSNP rs143292136, ClinGen allele CA2657220.

ClinVar aggregate classification (germline): Benign/Likely benign. Review status: criteria provided, multiple submitters, no conflicts (2 of 4 stars). 5 submissions from 5 submitters: Benign (1); Likely benign (3). 1 of the submissions does not count toward it. Last evaluated 2026-01-01.

Conditions:
ZIC1-related disorder. Also called: ZIC1-related condition.

Allele frequency attached by ClinVar (database versions not stated): ESP Exome Variant Server 0.00077; TOPMed 0.00078; gnomAD 0.00084 and 0.00088; ExAC 0.00086; gnomAD exomes 0.00090.
gnomAD v4.1: 2,156 of 1,614,024 alleles (0.13%); highest among the groups gnomAD compares: Non-Finnish European, 0.16%; 1 homozygote.

Submissions (5):

Labcorp Genetics (formerly Invitae), Labcorp
Classification: Likely benign. Last evaluated: 2026-01-01. Review status: criteria provided, single submitter. Criteria: Invitae Variant Classification Sherloc (09022015). Collection method: clinical testing. Allele origin: germline.

CeGaT Center for Human Genetics Tuebingen
Classification: Benign. Last evaluated: 2022-05-01. Review status: criteria provided, single submitter. Criteria: CeGaT Center For Human Genetics Tuebingen Variant Classification Criteria Version 2. Collection method: clinical testing. Allele origin: germline. Affected: yes. Observed: 1 variant allele.
Comment: ZIC1: BS1, BS2

Center for Pediatric Genomic Medicine, Children's Mercy Hospital and Clinics
Classification: Likely benign. Last evaluated: 2017-03-30. Review status: criteria provided, single submitter. Criteria: ACMG Guidelines, 2015. Collection method: clinical testing. Allele origin: germline.

Breakthrough Genomics
Classification: Likely benign. Review status: criteria provided, single submitter. Criteria: ACMG Guidelines, 2015. Collection method: not provided. Allele origin: germline. Inheritance: Autosomal dominant inheritance. Affected: yes.

PreventionGenetics, part of Exact Sciences
Classification: Likely benign for ZIC1-related condition. Last evaluated: 2019-04-30. Review status: no assertion criteria provided. Collection method: clinical testing. Allele origin: germline. Not counted in ClinVar's aggregate classification.
Comment: This variant is classified as likely benign based on ACMG/AMP sequence variant interpretation guidelines (Richards et al. 2015 PMID: 25741868, with internal and published modifications).